The following is an entry in ClinVar:

ClinVar aggregate classification (germline): Uncertain significance. Review status: criteria provided, multiple submitters, no conflicts (2 of 4 stars). 2 submissions from 2 submitters: Uncertain significance (2). Last evaluated 2020-03-19.

Conditions:
Cardiovascular phenotype. Identifiers: MedGen CN230736.
Brugada syndrome 8 (BRGDA8). Identifiers: Orphanet 130, MedGen C2751083, MONDO:0013148, OMIM 613123.

Allele frequency attached by ClinVar (database versions not stated): ExAC below 0.00001; gnomAD exomes below 0.00001; TOPMed 0.00001; 1000 Genomes Project 30x 0.00016; 1000 Genomes Project 0.00020.
gnomAD v4.1: 1 of 1,233,852 alleles (0.000081%); highest among the groups gnomAD compares: African/African-American, 0.0016%; no homozygotes.

Submissions (2):

Labcorp Genetics (formerly Invitae), Labcorp
Classification: Uncertain significance for Brugada syndrome 8. Last evaluated: 2020-03-19. Review status: criteria provided, single submitter. Criteria: Invitae Variant Classification Sherloc (09022015). Collection method: clinical testing. Allele origin: germline.
Comment: In summary, the available evidence is currently insufficient to determine the role of this variant in disease. Therefore, it has been classified as a Variant of Uncertain Significance. This variant has not been reported in the literature in individuals with HCN4-related conditions. The frequency data for this variant in the population databases is considered unreliable, as metrics indicate poor data quality at this position in the ExAC database. This sequence change replaces alanine with threonine at codon 149 of the HCN4 protein (p.Ala149Thr). The alanine residue is moderately conserved and there is a small physicochemical difference between alanine and threonine.

Ambry Genetics
Classification: Uncertain significance for Cardiovascular phenotype. Last evaluated: 2020-03-17. Review status: criteria provided, single submitter. Criteria: Ambry Variant Classification Scheme 2023. Collection method: clinical testing. Allele origin: germline.
Comment: The p.A149T variant (also known as c.445G>A), located in coding exon 1 of the HCN4 gene, results from a G to A substitution at nucleotide position 445. The alanine at codon 149 is replaced by threonine, an amino acid with similar properties. This amino acid position is not well conserved in available vertebrate species. In addition, this alteration is predicted to be tolerated by in silico analysis. Since supporting evidence is limited at this time, the clinical significance of this alteration remains unclear.

NM_005477.3(HCN4):c.445G>A (p.Ala149Thr)

Gene: HCN4 (hyperpolarization activated cyclic nucleotide gated potassium channel 4; minus strand). Cytogenetic location: 15q24.1.
Variant type: single nucleotide variant.
Coding change: c.445G>A on transcript NM_005477.3 (MANE Select); coding-DNA position 445, G replaced by A.
Protein change: p.Ala149Thr; replaces alanine 149 with threonine.
Molecular consequence: missense variant.
Genome position (GRCh38, 1-based): chr15:73,367,826, C>T on the plus strand (G>A on the coding strand, the complement: HCN4 is on the minus strand). VCF-style: chr15-73367826-C-T. GRCh37 (hg19) VCF-style: chr15-73660167-C-T.
Other names: short protein forms A149T.
Identifiers: ClinVar variation 1047106 (VCV001047106.11), dbSNP rs531489450, ClinGen allele CA7649474.